The following is an entry in ClinVar:

ClinVar aggregate classification (germline): Likely benign. Review status: criteria provided, single submitter (1 of 4 stars). 2 submissions from 2 submitters: Likely benign (1). 1 of the submissions does not count toward it. Last evaluated 2023-09-01.

Conditions:
SETD1B-related disorder. Also called: SETD1B-related condition.

Submissions (2):

CeGaT Center for Human Genetics Tuebingen
Classification: Likely benign. Last evaluated: 2023-09-01. Review status: criteria provided, single submitter. Criteria: CeGaT Center For Human Genetics Tuebingen Variant Classification Criteria Version 2. Collection method: clinical testing. Allele origin: germline. Affected: yes. Observed: 1 variant allele.
Comment: SETD1B: BP4, BP7

PreventionGenetics, part of Exact Sciences
Classification: Likely benign for SETD1B-related condition. Last evaluated: 2019-02-20. Review status: no assertion criteria provided. Collection method: clinical testing. Allele origin: germline. Not counted in ClinVar's aggregate classification.
Comment: This variant is classified as likely benign based on ACMG/AMP sequence variant interpretation guidelines (Richards et al. 2015 PMID: 25741868, with internal and published modifications).

NM_001353345.2(SETD1B):c.4740A>C (p.Pro1580=)

Gene: SETD1B (SET domain containing 1B, histone lysine methyltransferase; plus strand). Cytogenetic location: 12q24.31.
Variant type: single nucleotide variant.
Coding change: c.4740A>C on transcript NM_001353345.2 (MANE Select); coding-DNA position 4740, A replaced by C.
Protein change: p.Pro1580=; no amino-acid change (proline 1580 retained).
Molecular consequence: synonymous variant.
Genome position (GRCh38, 1-based): chr12:121,823,319, A>C. VCF-style: chr12-121823319-A-C. GRCh37 (hg19) VCF-style: chr12-122261225-A-C.
Other names: NM_015048.1:c.4611A>C.
Identifiers: ClinVar variation 2643475 (VCV002643475.25), dbSNP rs1349356922, ClinGen allele CA482435409.